The following is an entry in ClinVar:

NM_024664.4(PPCS):c.884T>C (p.Ile295Thr)

Genes: CCDC30 (coiled-coil domain containing 30; plus strand), PPCS (phosphopantothenoylcysteine synthetase; plus strand). Cytogenetic location: 1p34.2.
Variant type: single nucleotide variant.
Coding change: c.884T>C on transcript NM_024664.4 (MANE Select); coding-DNA position 884, T replaced by C.
Protein change: p.Ile295Thr; replaces isoleucine 295 with threonine.
Molecular consequence: missense variant. On other transcripts: intron variant (2).
Genome position (GRCh38, 1-based): chr1:42,459,874, T>C. VCF-style: chr1-42459874-T-C. GRCh37 (hg19) VCF-style: chr1-42925545-T-C.
Other names: c.365T>C, p.Ile122Thr (NM_001287509.2, NM_001287510.2, NM_001077447.3 and 2 more transcripts); c.-880+2524T>C (NM_001355226.2); c.612+2524T>C (NM_001287511.2); c.266T>C, p.Ile89Thr (NM_001287507.1); short protein forms I89T, I122T, I295T.
Identifiers: ClinVar variation 1492727 (VCV001492727.6), dbSNP rs774498065, ClinGen allele CA800090.
Genomic context (GRCh38, chr1:42,459,874, plus strand): 5'-AAACCAAGTTATTGCTATCAGAGGAAGAAATAGAAAAAGGCGTAGAGATAGAAGAGAAGA[T>C]AGTGGATAATCTTCAGTCTCGACACACAGCTTTTATAGGTGACAGAAACTGAAGTAAAAA-3'
Protein context (NP_078940.2, residues 285-305): IEKGVEIEEK[Ile295Thr]VDNLQSRHTA

ClinVar aggregate classification (germline): Uncertain significance (1 of 4 stars; one submission).

Allele frequency attached by ClinVar (database versions not stated): gnomAD exomes 0.00001 and below 0.00001; ExAC 0.00001.
gnomAD v4.1: 3 of 1,613,936 alleles (0.00019%); highest among the groups gnomAD compares: South Asian, 0.0011%; no homozygotes.

Submission:

Labcorp Genetics (formerly Invitae), Labcorp
Classification: Uncertain significance. Last evaluated: 2021-09-24. Review status: criteria provided, single submitter. Criteria: Invitae Variant Classification Sherloc (09022015). Collection method: clinical testing. Allele origin: germline.
Comment: This sequence change replaces isoleucine with threonine at codon 295 of the PPCS protein (p.Ile295Thr). The isoleucine residue is highly conserved and there is a moderate physicochemical difference between isoleucine and threonine. This variant is present in population databases (rs774498065, ExAC 0.006%). This variant has not been reported in the literature in individuals with PPCS-related conditions. Algorithms developed to predict the effect of missense changes on protein structure and function (SIFT, PolyPhen-2, Align-GVGD) all suggest that this variant is likely to be disruptive, but these predictions have not been confirmed by published functional studies and their clinical significance is uncertain. In summary, the available evidence is currently insufficient to determine the role of this variant in disease. Therefore, it has been classified as a Variant of Uncertain Significance.